The following is an entry in ClinVar:

NM_002582.4(PARN):c.1244T>C (p.Ile415Thr)

Gene: PARN (poly(A)-specific ribonuclease; minus strand). Cytogenetic location: 16p13.12.
Variant type: single nucleotide variant.
Coding change: c.1244T>C on transcript NM_002582.4 (MANE Select); coding-DNA position 1244, T replaced by C.
Protein change: p.Ile415Thr; replaces isoleucine 415 with threonine.
Molecular consequence: missense variant.
Genome position (GRCh38, 1-based): chr16:14,580,892, A>G on the plus strand (T>C on the coding strand, the complement: PARN is on the minus strand). VCF-style: chr16-14580892-A-G. GRCh37 (hg19) VCF-style: chr16-14674749-A-G.
Other names: c.1061T>C, p.Ile354Thr (NM_001134477.3); c.1106T>C, p.Ile369Thr (NM_001242992.2); short protein forms I354T, I415T, I369T.
Identifiers: ClinVar variation 2932135 (VCV002932135.3), dbSNP rs1969492179, ClinGen allele CA394821691.

ClinVar aggregate classification (germline): Uncertain significance (1 of 4 stars; one submission).

Conditions:
Dyskeratosis congenita, autosomal recessive 6 (DKCB6). Identifiers: MedGen C4225356, MONDO:0014600, OMIM 616353.
Pulmonary fibrosis and/or bone marrow failure, Telomere-related, 4. Also called: PULMONARY FIBROSIS AND/OR BONE MARROW FAILURE SYNDROME, TELOMERE-RELATED, 4. Identifiers: Orphanet 2032, MedGen C4225347, MONDO:0014612, OMIM 616371.

Allele frequency attached by ClinVar (database versions not stated): gnomAD exomes below 0.00001; gnomAD 0.00001.
gnomAD v4.1: 6 of 1,607,484 alleles (0.00037%); highest among the groups gnomAD compares: Non-Finnish European, 0.00043%; no homozygotes.

Submission:

Labcorp Genetics (formerly Invitae), Labcorp
Classification: Uncertain significance for Dyskeratosis congenita, autosomal recessive 6; Pulmonary fibrosis and/or bone marrow failure, Telomere-related, 4. Last evaluated: 2025-09-15. Review status: criteria provided, single submitter. Criteria: Invitae Variant Classification Sherloc (09022015). Collection method: clinical testing. Allele origin: germline.
Comment: This sequence change replaces isoleucine, which is neutral and non-polar, with threonine, which is neutral and polar, at codon 415 of the PARN protein (p.Ile415Thr). This variant is not present in population databases (gnomAD no frequency). This variant has not been reported in the literature in individuals affected with PARN-related conditions. ClinVar contains an entry for this variant (Variation ID: 2932135). Invitae Evidence Modeling of protein sequence and biophysical properties (such as structural, functional, and spatial information, amino acid conservation, physicochemical variation, residue mobility, and thermodynamic stability) indicates that this missense variant is not expected to disrupt PARN protein function with a negative predictive value of 80%. In summary, the available evidence is currently insufficient to determine the role of this variant in disease. Therefore, it has been classified as a Variant of Uncertain Significance.